The following is an entry in ClinVar:

NM_001330078.2(NRXN1):c.2509G>C (p.Gly837Arg)

Gene: NRXN1 (neurexin 1; minus strand). Cytogenetic location: 2p16.3.
Variant type: single nucleotide variant.
Coding change: c.2509G>C on transcript NM_001330078.2 (MANE Select); coding-DNA position 2509, G replaced by C.
Protein change: p.Gly837Arg; replaces glycine 837 with arginine.
Molecular consequence: missense variant.
Genome position (GRCh38, 1-based): chr2:50,497,703, C>G on the plus strand (G>C on the coding strand, the complement: NRXN1 is on the minus strand). VCF-style: chr2-50497703-C-G. GRCh37 (hg19) VCF-style: chr2-50724841-C-G.
Other names: c.2629G>C, p.Gly877Arg (NM_001135659.3); c.2485G>C, p.Gly829Arg (NM_001330077.2, NM_001330082.2); c.2443G>C, p.Gly815Arg (NM_001330083.2, NM_001330084.2); c.2482G>C, p.Gly828Arg (NM_001330085.2); c.2509G>C, p.Gly837Arg (NM_001330086.2, NM_004801.6); c.2398G>C, p.Gly800Arg (NM_001330087.2, NM_001330096.2); c.2428G>C, p.Gly810Arg (NM_001330088.2); c.2506G>C, p.Gly836Arg (NM_001330093.2); and 2 more; short protein forms G815R, G833R, G820R, G829R, G837R, G800R, G810R, G828R.
Identifiers: ClinVar variation 1373921 (VCV001373921.9), dbSNP rs2104921155, ClinGen allele CA346777480.

ClinVar aggregate classification (germline): Uncertain significance. Review status: criteria provided, multiple submitters, no conflicts (2 of 4 stars). 2 submissions from 2 submitters: Uncertain significance (2). Last evaluated 2022-02-04.

Conditions:
Pitt-Hopkins-like syndrome 2 (PTHSL2). Identifiers: Orphanet 221150, Orphanet 600663, MedGen C3280479, MONDO:0013690, OMIM 614325.
Chromosome 2p16.3 deletion syndrome. Identifiers: MedGen C3808494, MONDO:0013696, OMIM 614332.

Submissions (2):

Fulgent Genetics
Classification: Uncertain significance for Pitt-Hopkins-like syndrome 2; Chromosome 2p16.3 deletion syndrome. Last evaluated: 2022-02-04. Review status: criteria provided, single submitter. Criteria: ACMG Guidelines, 2015. Collection method: clinical testing. Allele origin: unknown.

Labcorp Genetics (formerly Invitae), Labcorp
Classification: Uncertain significance for Pitt-Hopkins-like syndrome 2. Last evaluated: 2021-02-18. Review status: criteria provided, single submitter. Criteria: Invitae Variant Classification Sherloc (09022015). Collection method: clinical testing. Allele origin: germline.
Comment: In summary, the available evidence is currently insufficient to determine the role of this variant in disease. Therefore, it has been classified as a Variant of Uncertain Significance. Algorithms developed to predict the effect of missense changes on protein structure and function are either unavailable or do not agree on the potential impact of this missense change (SIFT: "Deleterious"; PolyPhen-2: "Probably Damaging"; Align-GVGD: "Class C15"). This variant has not been reported in the literature in individuals with NRXN1-related conditions. This variant is not present in population databases (ExAC no frequency). This sequence change replaces glycine with arginine at codon 877 of the NRXN1 protein (p.Gly877Arg). The glycine residue is highly conserved and there is a moderate physicochemical difference between glycine and arginine.